The following is an entry in ClinVar:

NM_053025.4(MYLK):c.4377dup (p.Val1460fs)

Gene: MYLK (myosin light chain kinase; minus strand). Cytogenetic location: 3q21.1.
Variant type: Duplication.
Coding change: c.4377dup on transcript NM_053025.4 (MANE Select); coding-DNA position 4377, one base duplicated (A; older notation c.4377dupA).
Protein change: p.Val1460fs; shifts the reading frame from valine 1460.
Molecular consequence: frameshift variant.
Genome position (GRCh38, 1-based): chr3:123,649,009, T duplicated on the plus strand (A on the coding strand, the reverse complement: MYLK is on the minus strand); the first of 5 consecutive T bases (chr3:123,649,009-123,649,013); duplicating any one gives the same sequence. VCF-style (leftmost placement, unchanged base first): chr3-123649008-C-CT. GRCh37 (hg19) VCF-style: chr3-123367855-C-CT.
Other names: c.3849dup, p.Val1284fs (NM_001321309.2); c.4170dup, p.Val1391fs (NM_053026.4, NM_053028.4); c.4377dup, p.Val1460fs (NM_053027.4); short protein forms V1284fs, V1460fs, V1391fs.
Identifiers: ClinVar variation 4713556 (VCV004713556.1).

ClinVar aggregate classification (germline): Pathogenic (1 of 4 stars; one submission).

Conditions:
Aortic aneurysm, familial thoracic 7 (AAT7). Also called: AORTIC DISSECTION, FAMILIAL, WITH OR WITHOUT AORTIC ANEURYSM. Identifiers: MedGen C3151077, MONDO:0013418, OMIM 613780.

Submission:

Labcorp Genetics (formerly Invitae), Labcorp
Classification: Pathogenic for Aortic aneurysm, familial thoracic 7. Last evaluated: 2025-02-20. Review status: criteria provided, single submitter. Criteria: Invitae Variant Classification Sherloc (09022015). Collection method: clinical testing. Allele origin: germline.
Comment: This sequence change creates a premature translational stop signal (p.Val1460Serfs*3) in the MYLK gene. This variant occurs within the aortic-specific isoform of MYLK. Loss-of-function variants in the aortic-specific isoform of MYLK are known to be pathogenic for thoracic aortic dissections (PMID: 21055718). This variant is not present in population databases (gnomAD no frequency). This variant has not been reported in the literature in individuals affected with MYLK-related conditions. For these reasons, this variant has been classified as Pathogenic.

Literature cited by the submitters: PubMed 21055718.